The following is an entry in ClinVar:

NM_001384140.1(PCDH15):c.2385A>G (p.Ala795=)

Gene: PCDH15 (protocadherin related 15; minus strand). Cytogenetic location: 10q21.1.
Variant type: single nucleotide variant.
Coding change: c.2385A>G on transcript NM_001384140.1 (MANE Select); coding-DNA position 2385, A replaced by G.
Protein change: p.Ala795=; no amino-acid change (alanine 795 retained).
Molecular consequence: synonymous variant.
Genome position (GRCh38, 1-based): chr10:54,023,033, T>C on the plus strand (A>G on the coding strand, the complement: PCDH15 is on the minus strand). VCF-style: chr10-54023033-T-C. GRCh37 (hg19) VCF-style: chr10-55782793-T-C.
Other names: c.2400A>G, p.Ala800= (NM_001142763.2, NM_001142771.2); c.2385A>G, p.Ala795= (NM_001142764.2, NM_001142766.2, NM_001142770.3 and 5 more transcripts); c.2172A>G, p.Ala724= (NM_001142765.2); c.2274A>G, p.Ala758= (NM_001142767.2); c.2319A>G, p.Ala773= (NM_001142768.2, NM_001142773.2, NM_001354404.2); c.2421A>G, p.Ala807= (NM_001142769.4); c.2406A>G, p.Ala802= (NM_001354411.2).
Identifiers: ClinVar variation 504668 (VCV000504668.9), dbSNP rs61731362, ClinGen allele CA207201685.

ClinVar aggregate classification (germline): Likely benign. Review status: criteria provided, multiple submitters, no conflicts (2 of 4 stars). 2 submissions from 2 submitters: Likely benign (2). Last evaluated 2023-09-27.

Allele frequency attached by ClinVar (database versions not stated): gnomAD 0.00001; TOPMed 0.00001.
gnomAD v4.1: 1 of 1,613,878 alleles (0.000062%); highest among the groups gnomAD compares: Admixed American, 0.0017%; no homozygotes.

Submissions (2):

Labcorp Genetics (formerly Invitae), Labcorp
Classification: Likely benign. Last evaluated: 2023-09-27. Review status: criteria provided, single submitter. Criteria: Invitae Variant Classification Sherloc (09022015). Collection method: clinical testing. Allele origin: germline.

Laboratory for Molecular Medicine, Mass General Brigham Personalized Medicine
Classification: Likely benign. Last evaluated: 2016-06-30. Review status: criteria provided, single submitter. Criteria: LMM Criteria. Collection method: clinical testing. Allele origin: germline. Observed: 1 variant allele.
Comment: p.Ala795Ala in exon 19 of PCDH15: This variant is not expected to have clinical significance because it does not alter an amino acid residue and it is not locat ed within the splice consensus sequence.